The following is an entry in ClinVar:

NM_006206.6(PDGFRA):c.14A>C (p.His5Pro)

Gene: PDGFRA (platelet derived growth factor receptor alpha; plus strand). Cytogenetic location: 4q12.
Variant type: single nucleotide variant.
Coding change: c.14A>C on transcript NM_006206.6 (MANE Select); coding-DNA position 14, A replaced by C.
Protein change: p.His5Pro; replaces histidine 5 with proline.
Molecular consequence: missense variant.
Genome position (GRCh38, 1-based): chr4:54,258,782, A>C. VCF-style: chr4-54258782-A-C. GRCh37 (hg19) VCF-style: chr4-55124949-A-C.
Other names: c.14A>C, p.His5Pro (NM_001347827.2, NM_001347829.2); c.89A>C, p.His30Pro (NM_001347828.2); c.53A>C, p.His18Pro (NM_001347830.2); short protein forms H30P, H5P, H18P.
Identifiers: ClinVar variation 2880760 (VCV002880760.3), dbSNP rs776018656, ClinGen allele CA356888060.

ClinVar aggregate classification (germline): Uncertain significance (1 of 4 stars; one submission).

Conditions:
Gastrointestinal stromal tumor. Also called: Gastrointestinal stromal tumor, somatic; Gastrointestinal stroma tumor. Identifiers: Orphanet 44890, MedGen C0238198, MeSH D046152, MONDO:0011719, OMIM 606764, HP:0100723.

Submission:

Labcorp Genetics (formerly Invitae), Labcorp
Classification: Uncertain significance for Gastrointestinal stromal tumor. Last evaluated: 2023-05-09. Review status: criteria provided, single submitter. Criteria: Invitae Variant Classification Sherloc (09022015). Collection method: clinical testing. Allele origin: germline.
Comment: This variant has not been reported in the literature in individuals affected with PDGFRA-related conditions. This variant is not present in population databases (gnomAD no frequency). This sequence change replaces histidine, which is basic and polar, with proline, which is neutral and non-polar, at codon 5 of the PDGFRA protein (p.His5Pro). Algorithms developed to predict the effect of missense changes on protein structure and function output the following: SIFT: "Not Available"; PolyPhen-2: "Benign"; Align-GVGD: "Not Available". The proline amino acid residue is found in multiple mammalian species, which suggests that this missense change does not adversely affect protein function. In summary, the available evidence is currently insufficient to determine the role of this variant in disease. Therefore, it has been classified as a Variant of Uncertain Significance.